The following is an entry in ClinVar:

NM_000038.6(APC):c.3468_3472del (p.Glu1157fs)

Gene: APC (APC regulator of Wnt signaling pathway; plus strand). Cytogenetic location: 5q22.2.
Variant type: Deletion.
Coding change: c.3468_3472del on transcript NM_000038.6 (MANE Select); coding-DNA positions 3468 to 3472, 5 bases deleted (AGAGA; older notation c.3468_3472delAGAGA).
Protein change: p.Glu1157fs; shifts the reading frame from glutamic acid 1157.
Molecular consequence: frameshift variant.
Genome position (GRCh38, 1-based): chr5:112,839,062-112,839,066, AGAGA deleted; deleting any 5 consecutive bases within chr5:112,839,059-112,839,066 gives the same sequence; the c. name uses the placement nearest the transcript's 3' end. VCF-style (leftmost placement, unchanged base first): chr5-112839058-AAGAAG-A. GRCh37 (hg19) VCF-style: chr5-112174755-AAGAAG-A.
Other names: c.3468_3472del, p.Glu1157fs (NM_001127510.3, NM_001354895.2); c.3414_3418del, p.Glu1139fs (NM_001127511.3); c.3522_3526del, p.Glu1175fs (NM_001354896.2); c.3498_3502del, p.Glu1167fs (NM_001354897.2); c.3393_3397del, p.Glu1132fs (NM_001354898.2); c.3384_3388del, p.Glu1129fs (NM_001354899.2); c.3345_3349del, p.Glu1116fs (NM_001354900.2); c.3291_3295del, p.Glu1098fs (NM_001354901.2); and 16 more; short protein forms E1175fs, E1031fs, E1132fs, E1167fs, E997fs, E1056fs, E1066fs, E1098fs.
Identifiers: ClinVar variation 1731696 (VCV001731696.4), dbSNP rs2533500295, ClinGen allele CA2580072955.

ClinVar aggregate classification (germline): Pathogenic. Review status: criteria provided, multiple submitters, no conflicts (2 of 4 stars). 2 submissions from 2 submitters: Pathogenic (2). Last evaluated 2023-01-09.

Conditions:
Hereditary cancer-predisposing syndrome. Also called: Neoplastic Syndromes, Hereditary; Tumor predisposition; Hereditary Cancer Syndrome; Hereditary neoplastic syndrome. Identifiers: Orphanet 140162, MedGen C0027672, MeSH D009386, MONDO:0015356.
Familial adenomatous polyposis 1 (FAP1). Also called: FAMILIAL ADENOMATOUS POLYPOSIS 1, ATTENUATED; POLYPOSIS, ADENOMATOUS INTESTINAL. Identifiers: MedGen C2713442, MONDO:0021056, OMIM 175100. Disease mechanism: loss of function.

Submissions (2):

Myriad Genetics, Inc.
Classification: Pathogenic for Familial adenomatous polyposis 1. Last evaluated: 2023-01-09. Review status: criteria provided, single submitter. Criteria: Myriad Autosomal Dominant, Autosomal Recessive and X-Linked Classification Criteria (2023). Collection method: clinical testing. Allele origin: unknown.
Comment: This variant is considered pathogenic. This variant creates a frameshift predicted to result in premature protein truncation.

Ambry Genetics
Classification: Pathogenic for Hereditary cancer-predisposing syndrome. Last evaluated: 2020-09-10. Review status: criteria provided, single submitter. Criteria: Ambry Variant Classification Scheme 2023. Collection method: clinical testing. Allele origin: germline.
Comment: The c.3468_3472delAGAGA pathogenic mutation, located in coding exon 15 of the APC gene, results from a deletion of 5 nucleotides at nucleotide positions 3468 to 3472, causing a translational frameshift with a predicted alternate stop codon (p.E1157Tfs*5). This alteration is expected to result in loss of function by premature protein truncation or nonsense-mediated mRNA decay. As such, this alteration is interpreted as a disease-causing mutation.